The following is an entry in ClinVar:

NM_004260.4(RECQL4):c.1488C>G (p.Ile496Met)

Gene: RECQL4 (RecQ like helicase 4; minus strand). Cytogenetic location: 8q24.3.
Variant type: single nucleotide variant.
Coding change: c.1488C>G on transcript NM_004260.4 (MANE Select); coding-DNA position 1488, C replaced by G.
Protein change: p.Ile496Met; replaces isoleucine 496 with methionine.
Molecular consequence: missense variant.
Genome position (GRCh38, 1-based): chr8:144,515,068, G>C on the plus strand (C>G on the coding strand, the complement: RECQL4 is on the minus strand). VCF-style: chr8-144515068-G-C. GRCh37 (hg19) VCF-style: chr8-145740452-G-C.
Other names: short protein forms I496M.
Identifiers: ClinVar variation 645006 (VCV000645006.12), dbSNP rs1358382637, ClinGen allele CA372684346.

ClinVar aggregate classification (germline): Conflicting classifications of pathogenicity. Review status: criteria provided, conflicting classifications (1 of 4 stars). 5 submissions from 5 submitters: Uncertain significance (4); Likely benign (1). Last evaluated 2026-07-09.

Conditions:
Inborn genetic diseases. Identifiers: MedGen C0950123, MeSH D030342.
Rothmund-Thomson syndrome type 2 (RTS2). Identifiers: Orphanet 221016, MedGen C5203410, MONDO:0016369, OMIM 268400.
Baller-Gerold syndrome (BGS). Also called: CRANIOSYNOSTOSIS WITH RADIAL DEFECTS. Identifiers: Orphanet 1225, MedGen C0265308, MONDO:0009039, OMIM 218600.
RECQL4-related disorder. Also called: RECQL4-related disorders; RECQL4-related condition.

Allele frequency attached by ClinVar (database versions not stated): TOPMed 0.00001; gnomAD exomes 0.00002.
gnomAD v4.1: 4 of 1,606,434 alleles (0.00025%); highest among the groups gnomAD compares: Admixed American, 0.0068%; no homozygotes.

Submissions (5):

PreventionGenetics, part of Exact Sciences
Classification: Uncertain significance for RECQL4-related condition. Last evaluated: 2026-07-09. Review status: criteria provided, single submitter. Criteria: ACMG Guidelines, 2015. Collection method: clinical testing. Allele origin: germline.
Comment: The RECQL4 c.1488C>G variant is predicted to result in the amino acid substitution p.Ile496Met. To our knowledge, this variant has not been reported in the literature. This variant is reported in 0.012% of alleles in individuals of Latino descent in gnomAD. At this time, the clinical significance of this variant is uncertain due to the absence of conclusive functional and genetic evidence.

Ambry Genetics
Classification: Likely benign for Inborn genetic diseases. Last evaluated: 2025-03-14. Review status: criteria provided, single submitter. Criteria: Ambry Variant Classification Scheme 2023. Collection method: clinical testing. Allele origin: germline.

Labcorp Genetics (formerly Invitae), Labcorp
Classification: Uncertain significance for Baller-Gerold syndrome. Last evaluated: 2023-07-17. Review status: criteria provided, single submitter. Criteria: Invitae Variant Classification Sherloc (09022015). Collection method: clinical testing. Allele origin: germline.
Comment: This variant has not been reported in the literature in individuals affected with RECQL4-related conditions. This sequence change replaces isoleucine, which is neutral and non-polar, with methionine, which is neutral and non-polar, at codon 496 of the RECQL4 protein (p.Ile496Met). This variant is present in population databases (no rsID available, gnomAD 0.01%). ClinVar contains an entry for this variant (Variation ID: 645006). Advanced modeling of protein sequence and biophysical properties (such as structural, functional, and spatial information, amino acid conservation, physicochemical variation, residue mobility, and thermodynamic stability) performed at Invitae indicates that this missense variant is not expected to disrupt RECQL4 protein function. In summary, the available evidence is currently insufficient to determine the role of this variant in disease. Therefore, it has been classified as a Variant of Uncertain Significance.

GeneDx
Classification: Uncertain significance. Last evaluated: 2022-05-25. Review status: criteria provided, single submitter. Criteria: GeneDx Variant Classification Process June 2021. Collection method: clinical testing. Allele origin: germline. Affected: yes.
Comment: In silico analysis supports that this missense variant does not alter protein structure/function; Has not been previously published as pathogenic or benign to our knowledge

Baylor Genetics
Classification: Uncertain significance for Rothmund-Thomson syndrome type 2. Last evaluated: 2020-01-07. Review status: criteria provided, single submitter. Criteria: ACMG Guidelines, 2015. Collection method: clinical testing. Allele origin: unknown. Affected: yes. Study: CSER-TexasKidsCanSeq.
Comment: This variant was determined to be of uncertain significance according to ACMG Guidelines, 2015 [PMID:25741868].